The following is an entry in ClinVar:

NM_014946.4(SPAST):c.1550T>A (p.Leu517Ter)

Gene: SPAST (spastin; plus strand). Cytogenetic location: 2p22.3.
Variant type: single nucleotide variant.
Coding change: c.1550T>A on transcript NM_014946.4 (MANE Select); coding-DNA position 1550, T replaced by A.
Protein change: p.Leu517Ter; replaces leucine 517 with a stop codon.
Molecular consequence: nonsense.
Genome position (GRCh38, 1-based): chr2:32,143,349, T>A. VCF-style: chr2-32143349-T-A. GRCh37 (hg19) VCF-style: chr2-32368418-T-A.
Other names: c.1547T>A, p.Leu516Ter (NM_001363823.2); c.1451T>A, p.Leu484Ter (NM_001363875.2); c.1454T>A, p.Leu485Ter (NM_001377959.1, NM_199436.2); short protein forms L484*, L517*, L516*, L485*.
Identifiers: ClinVar variation 3571975 (VCV003571975.1).

ClinVar aggregate classification (germline): Pathogenic (1 of 4 stars; one submission).

Submission:

Athena Diagnostics
Classification: Pathogenic. Last evaluated: 2024-08-07. Review status: criteria provided, single submitter. Criteria: Athena Diagnostics Criteria. Collection method: clinical testing. Allele origin: unknown.
Comment: This variant is expected to result in the loss of a functional protein. This variant has not been reported in large, multi-ethnic general populations. This variant has been identified in at least one individual tested at Athena Diagnostics with clinical features associated with this gene.